The following is an entry in ClinVar:

ClinVar aggregate classification (germline): Benign. Review status: criteria provided, multiple submitters, no conflicts (2 of 4 stars). 2 submissions from 2 submitters: Benign (2). Last evaluated 2018-06-19.

Allele frequency attached by ClinVar (database versions not stated): 1000 Genomes Project 30x 0.26359; 1000 Genomes Project 0.27196; TOPMed 0.31364; gnomAD 0.34040 and 0.34470; gnomAD exomes 0.44316.
gnomAD v4.1: 456,517 of 1,066,300 alleles (43%); highest among the groups gnomAD compares: Non-Finnish European, 48%; 104,935 homozygotes.

Submissions (2):

GeneDx
Classification: Benign. Last evaluated: 2018-06-19. Review status: criteria provided, single submitter. Criteria: GeneDx Variant Classification (06012015). Collection method: clinical testing. Allele origin: germline. Affected: yes.
Comment: This variant is considered likely benign or benign based on one or more of the following criteria: it is a conservative change, it occurs at a poorly conserved position in the protein, it is predicted to be benign by multiple in silico algorithms, and/or has population frequency not consistent with disease.

Breakthrough Genomics
Classification: Benign. Review status: criteria provided, single submitter. Criteria: ACMG Guidelines, 2015. Collection method: not provided. Allele origin: germline. Inheritance: Autosomal recessive inheritance. Affected: yes.

NM_001001557.4(GDF6):c.406+112T>C

Gene: GDF6 (growth differentiation factor 6; minus strand). Cytogenetic location: 8q22.1.
Variant type: single nucleotide variant.
Coding change: c.406+112T>C on transcript NM_001001557.4 (MANE Select); 112 bases into the intron after coding-DNA position 406, T replaced by C.
Molecular consequence: intron variant.
Genome position (GRCh38, 1-based): chr8:96,160,175, A>G on the plus strand (T>C on the coding strand, the complement: GDF6 is on the minus strand). VCF-style: chr8-96160175-A-G. GRCh37 (hg19) VCF-style: chr8-97172403-A-G.
Identifiers: ClinVar variation 681299 (VCV000681299.2), dbSNP rs2466129, ClinGen allele CA12733156.